The following is an entry in ClinVar:

NM_000059.4(BRCA2):c.3496G>A (p.Val1166Ile)

Gene: BRCA2 (BRCA2 DNA repair associated; plus strand). Cytogenetic location: 13q13.1.
Variant type: single nucleotide variant.
Coding change: c.3496G>A on transcript NM_000059.4 (MANE Select); coding-DNA position 3496, G replaced by A.
Protein change: p.Val1166Ile; replaces valine 1166 with isoleucine.
Molecular consequence: missense variant.
Genome position (GRCh38, 1-based): chr13:32,337,851, G>A. VCF-style: chr13-32337851-G-A. GRCh37 (hg19) VCF-style: chr13-32911988-G-A.
Other names: short protein forms V1166I.
Identifiers: ClinVar variation 51475 (VCV000051475.19), dbSNP rs80358596, ClinGen allele CA018177.

ClinVar aggregate classification (germline): Conflicting classifications of pathogenicity. Review status: criteria provided, conflicting classifications (1 of 4 stars). 7 submissions from 7 submitters: Uncertain significance (3); Likely benign (3). 1 of the submissions does not count toward it. Last evaluated 2025-07-03.

Conditions:
Hereditary cancer-predisposing syndrome. Also called: Neoplastic Syndromes, Hereditary; Tumor predisposition; Hereditary Cancer Syndrome; Hereditary neoplastic syndrome. Identifiers: Orphanet 140162, MedGen C0027672, MeSH D009386, MONDO:0015356.
Hereditary breast ovarian cancer syndrome. Also called: Hereditary breast and ovarian cancer syndrome; Hereditary breast and ovarian cancer; Hereditary breast and ovarian cancer syndrome (HBOC); Breast and ovarian cancer; Hereditary breast and/or ovarian cancer syndrome; BRCA1- and BRCA2-Associated Hereditary Breast and Ovarian Cancer. Identifiers: Orphanet 145, MedGen C0677776, MeSH D061325, MONDO:0003582. Disease mechanism: loss of function.
Breast-ovarian cancer, familial, susceptibility to, 2 (BROVCA2). Also called: BRCA2 Hereditary Breast and Ovarian Cancer. Identifiers: Orphanet 145, MedGen C2675520, MONDO:0012933, OMIM 612555. Disease mechanism: loss of function.
BRCA2-related cancer predisposition. Identifiers: MedGen CN377758, MONDO:0700269.

Allele frequency attached by ClinVar (database versions not stated): gnomAD exomes below 0.00001.
gnomAD v4.1: 2 of 1,614,096 alleles (0.00012%); highest among the groups gnomAD compares: Non-Finnish European, 0.00017%; no homozygotes.

Submissions (7):

Color Diagnostics, LLC DBA Color Health
Classification: Likely benign for Hereditary cancer-predisposing syndrome. Last evaluated: 2025-07-03. Review status: criteria provided, single submitter. Criteria: ACMG Guidelines, 2015. Collection method: clinical testing. Allele origin: germline.

Labcorp Genetics (formerly Invitae), Labcorp
Classification: Uncertain significance for Hereditary breast ovarian cancer syndrome. Last evaluated: 2025-06-24. Review status: criteria provided, single submitter. Criteria: Invitae Variant Classification Sherloc (09022015). Collection method: clinical testing. Allele origin: germline.
Comment: This sequence change replaces valine, which is neutral and non-polar, with isoleucine, which is neutral and non-polar, at codon 1166 of the BRCA2 protein (p.Val1166Ile). This variant is not present in population databases (gnomAD no frequency). This missense change has been observed in individual(s) with breast cancer (PMID: 10923033). ClinVar contains an entry for this variant (Variation ID: 51475). Invitae Evidence Modeling of protein sequence and biophysical properties (such as structural, functional, and spatial information, amino acid conservation, physicochemical variation, residue mobility, and thermodynamic stability) indicates that this missense variant is not expected to disrupt BRCA2 protein function with a negative predictive value of 95%. In summary, the available evidence is currently insufficient to determine the role of this variant in disease. Therefore, it has been classified as a Variant of Uncertain Significance.

Ambry Genetics
Classification: Likely benign for Hereditary cancer-predisposing syndrome. Last evaluated: 2024-03-21. Review status: criteria provided, single submitter. Criteria: Ambry Variant Classification Scheme 2023. Collection method: clinical testing. Allele origin: germline.

All of Us Research Program, National Institutes of Health
Classification: Uncertain significance for BRCA2-related cancer predisposition. Last evaluated: 2024-03-05. Review status: criteria provided, single submitter. Criteria: ACMG Guidelines, 2015. Collection method: clinical testing. Allele origin: germline. Inheritance: Autosomal dominant inheritance. Observed: 1 variant allele, 1 heterozygote.
Comment: This study involves interpretation of variants in research participants for the purpose of population health screening. Participant phenotype was not available at the time of variant classification. Additional details can be found in publication PMID: 35346344, PMCID: PMC8962531

University of Washington Department of Laboratory Medicine, University of Washington
Classification: Likely benign for Hereditary cancer-predisposing syndrome. Last evaluated: 2023-03-23. Review status: criteria provided, single submitter. Criteria: Dines et al. (Genet Med. 2020). Collection method: curation. Allele origin: germline.
Comment: Missense variant in a coldspot region where missense variants are very unlikely to be pathogenic (PMID:31911673).

BRCA2 exon 11 coldspot. Reclassification based on statistical prior probability.

Quest Diagnostics Nichols Institute San Juan Capistrano
Classification: Uncertain significance. Last evaluated: 2017-07-21. Review status: criteria provided, single submitter. Criteria: Quest Diagnostics criteria. Collection method: clinical testing. Allele origin: germline.

Breast Cancer Information Core (BIC) (BRCA2)
Classification: Uncertain significance for Breast-ovarian cancer, familial 2. Last evaluated: 2000-07-07. Review status: no assertion criteria provided. Collection method: clinical testing. Allele origin: germline. Affected: yes. Observed: 1 variant allele. Not counted in ClinVar's aggregate classification.

Literature cited by the submitters: PubMed 10923033 (cited by Labcorp Genetics (formerly Invitae), Labcorp).